The following is an entry in ClinVar:

ClinVar aggregate classification (germline): Uncertain significance (1 of 4 stars; one submission).

gnomAD v4.1: 10 of 1,566,910 alleles (0.00064%); highest among the groups gnomAD compares: Non-Finnish European, 0.00086%; no homozygotes.

Submission:

Labcorp Genetics (formerly Invitae), Labcorp
Classification: Uncertain significance. Last evaluated: 2022-06-22. Review status: criteria provided, single submitter. Criteria: Invitae Variant Classification Sherloc (09022015). Collection method: clinical testing. Allele origin: germline.
Comment: This variant has not been reported in the literature in individuals affected with ESPN-related conditions. This sequence change replaces valine, which is neutral and non-polar, with alanine, which is neutral and non-polar, at codon 97 of the ESPN protein (p.Val97Ala). This variant is not present in population databases (gnomAD no frequency). Algorithms developed to predict the effect of missense changes on protein structure and function output the following: SIFT: "Tolerated"; PolyPhen-2: "Benign"; Align-GVGD: "Class C0". The alanine amino acid residue is found in multiple mammalian species, which suggests that this missense change does not adversely affect protein function. In summary, the available evidence is currently insufficient to determine the role of this variant in disease. Therefore, it has been classified as a Variant of Uncertain Significance.

NM_031475.3(ESPN):c.290T>C (p.Val97Ala)

Gene: ESPN (espin; plus strand). Cytogenetic location: 1p36.31.
Variant type: single nucleotide variant.
Coding change: c.290T>C on transcript NM_031475.3 (MANE Select); coding-DNA position 290, T replaced by C.
Protein change: p.Val97Ala; replaces valine 97 with alanine.
Molecular consequence: missense variant.
Genome position (GRCh38, 1-based): chr1:6,425,245, T>C. VCF-style: chr1-6425245-T-C. GRCh37 (hg19) VCF-style: chr1-6485305-T-C.
Other names: c.290T>C, p.Val97Ala (NM_001367473.1, NM_001367474.1); short protein forms V97A.
Identifiers: ClinVar variation 2180007 (VCV002180007.4), dbSNP rs199562318, ClinGen allele CA17192815.